The following is an entry in ClinVar:

ClinVar aggregate classification (germline): Uncertain significance (1 of 4 stars; one submission).

gnomAD v4.1: 1 of 1,614,222 alleles (0.000062%); highest among the groups gnomAD compares: Non-Finnish European, 0.000085%; no homozygotes.

Submission:

Labcorp Genetics (formerly Invitae), Labcorp
Classification: Uncertain significance. Last evaluated: 2025-12-01. Review status: criteria provided, single submitter. Criteria: Invitae Variant Classification Sherloc (09022015). Collection method: clinical testing. Allele origin: germline.
Comment: This sequence change replaces serine, which is neutral and polar, with glycine, which is neutral and non-polar, at codon 258 of the TNFRSF11A protein (p.Ser258Gly). This variant is not present in population databases (gnomAD no frequency). This variant has not been reported in the literature in individuals affected with TNFRSF11A-related conditions. Invitae Evidence Modeling of protein sequence and biophysical properties (such as structural, functional, and spatial information, amino acid conservation, physicochemical variation, residue mobility, and thermodynamic stability) indicates that this missense variant is not expected to disrupt TNFRSF11A protein function with a negative predictive value of 80%. In summary, the available evidence is currently insufficient to determine the role of this variant in disease. Therefore, it has been classified as a Variant of Uncertain Significance.

NM_003839.4(TNFRSF11A):c.772A>G (p.Ser258Gly)

Gene: TNFRSF11A (TNF receptor superfamily member 11a; plus strand). Cytogenetic location: 18q21.33.
Variant type: single nucleotide variant.
Coding change: c.772A>G on transcript NM_003839.4 (MANE Select); coding-DNA position 772, A replaced by G.
Protein change: p.Ser258Gly; replaces serine 258 with glycine.
Molecular consequence: missense variant. On other transcripts: intron variant (2).
Genome position (GRCh38, 1-based): chr18:62,366,749, A>G. VCF-style: chr18-62366749-A-G. GRCh37 (hg19) VCF-style: chr18-60033982-A-G.
Other names: c.772A>G, p.Ser258Gly (NM_001270949.2); c.730A>G, p.Ser244Gly (NM_001278268.2); c.730+4956A>G (NM_001270950.2); c.616+6700A>G (NM_001270951.2); short protein forms S244G, S258G.
Identifiers: ClinVar variation 4769911 (VCV004769911.1).